The following is an entry in ClinVar:

NM_001001563.5(TIMM50):c.88C>G (p.Pro30Ala)

Gene: TIMM50 (translocase of inner mitochondrial membrane 50; plus strand). Cytogenetic location: 19q13.2.
Variant type: single nucleotide variant.
Coding change: c.88C>G on transcript NM_001001563.5 (MANE Select); coding-DNA position 88, C replaced by G.
Protein change: p.Pro30Ala; replaces proline 30 with alanine.
Molecular consequence: missense variant. On other transcripts: 5 prime UTR variant (1).
Genome position (GRCh38, 1-based): chr19:39,480,941, C>G. VCF-style: chr19-39480941-C-G. GRCh37 (hg19) VCF-style: chr19-39971581-C-G.
Other names: c.-193C>G (NM_001329559.2); short protein forms P30A.
Identifiers: ClinVar variation 1975048 (VCV001975048.5), dbSNP rs2514609863, ClinGen allele CA405785957.

ClinVar aggregate classification (germline): Uncertain significance (1 of 4 stars; one submission).

Allele frequency attached by ClinVar (database versions not stated): gnomAD exomes below 0.00001.
gnomAD v4.1: 3 of 1,585,144 alleles (0.00019%); highest among the groups gnomAD compares: African/African-American, 0.0027%; no homozygotes.

Submission:

Labcorp Genetics (formerly Invitae), Labcorp
Classification: Uncertain significance. Last evaluated: 2022-05-27. Review status: criteria provided, single submitter. Criteria: Invitae Variant Classification Sherloc (09022015). Collection method: clinical testing. Allele origin: germline.
Comment: Algorithms developed to predict the effect of missense changes on protein structure and function are either unavailable or do not agree on the potential impact of this missense change (SIFT: "Not Available"; PolyPhen-2: "Benign"; Align-GVGD: "Not Available"). This sequence change replaces proline, which is neutral and non-polar, with alanine, which is neutral and non-polar, at codon 133 of the TIMM50 protein (p.Pro133Ala). This variant is not present in population databases (gnomAD no frequency). This variant has not been reported in the literature in individuals affected with TIMM50-related conditions. In summary, the available evidence is currently insufficient to determine the role of this variant in disease. Therefore, it has been classified as a Variant of Uncertain Significance.